The following is an entry in ClinVar:

NM_001197104.2(KMT2A):c.3896_3908del (p.Ser1299fs)

Gene: KMT2A (lysine methyltransferase 2A; plus strand). Cytogenetic location: 11q23.3.
Variant type: Deletion.
Coding change: c.3896_3908del on transcript NM_001197104.2 (MANE Select); coding-DNA positions 3896 to 3908, 13 bases deleted (CCCAGCCAGCACT).
Protein change: p.Ser1299fs; shifts the reading frame from serine 1299.
Molecular consequence: frameshift variant.
Genome position (GRCh38, 1-based): chr11:118,481,976-118,481,988, CCCAGCCAGCACT deleted; deleting any 13 consecutive bases within chr11:118,481,974-118,481,988 gives the same sequence; the c. name uses the placement nearest the transcript's 3' end. VCF-style (leftmost placement, unchanged base first): chr11-118481973-TCTCCCAGCCAGCA-T. GRCh37 (hg19) VCF-style: chr11-118352688-TCTCCCAGCCAGCA-T.
Other names: c.3995_4007del, p.Ser1332fs (NM_001412597.1); c.3896_3908del, p.Ser1299fs (NM_005933.4); c.3896_3908del13 (NM_001197104.1); short protein forms S1299fs, S1332fs.
Identifiers: ClinVar variation 3115965 (VCV003115965.1), dbSNP rs2496864429, ClinGen allele CA2825001997.

ClinVar aggregate classification (germline): Pathogenic (1 of 4 stars; one submission).

Conditions:
Inborn genetic diseases. Identifiers: MedGen C0950123, MeSH D030342.

Submission:

Ambry Genetics
Classification: Pathogenic for Inborn genetic diseases. Last evaluated: 2024-03-14. Review status: criteria provided, single submitter. Criteria: Ambry Variant Classification Scheme 2023. Collection method: clinical testing. Allele origin: germline.
Comment: The c.3896_3908del13 (p.S1299Wfs*53) alteration, located in exon 7 (coding exon 7) of the KMT2A gene, consists of a deletion of 13 nucleotides from position 3896 to 3908, causing a translational frameshift with a predicted alternate stop codon after 53 amino acids. This alteration is expected to result in loss of function by premature protein truncation or nonsense-mediated mRNA decay. This variant was not reported in population-based cohorts in the Genome Aggregation Database (gnomAD). Based on the available evidence, this alteration is classified as pathogenic.